The following is an entry in ClinVar:

ClinVar aggregate classification (germline): Uncertain significance (1 of 4 stars; one submission).

Conditions:
Congenital anomalies of kidney and urinary tract 2. Identifiers: Orphanet 2190, MedGen C5574705, MONDO:0027676, OMIM 143400.

Submissions (2):

Victorian Clinical Genetics Services, Murdoch Childrens Research Institute
Classification: Uncertain significance for Congenital anomalies of kidney and urinary tract 2. Last evaluated: 2024-10-09. Review status: criteria provided, single submitter. Criteria: ACMG Guidelines, 2015. Collection method: clinical testing. Allele origin: germline. Inheritance: Autosomal dominant inheritance. Affected: yes.
Comment: Based on the classification scheme VCGS_Germline_v1.3.4, this variant is classified as VUS-3A. Following criteria are met: 0104 - Dominant negative is a known mechanism of disease in this gene and is associated with congenital anomalies of kidney and urinary tract 2 (MIM#143400) (PMID: 26235987). (I) 0107 - This gene is associated with autosomal dominant disease. (I) 0115 - Variants in this gene are known to have variable expressivity (PMID: 26235987). (I) 0211 - Canonical splice site variant without proven consequence on splicing (no functional evidence available). (SP) 0251 - This variant is heterozygous. (I) 0301 - Variant is absent from gnomAD (v2, v3 and v4). (SP) 0311 - An alternative nucleotide change at the same canonical splice site, is present in gnomAD (v4) (1 heterozygote, 0 homozygotes). (I) 0508 - In silico predictions for abnormal splicing are conflicting. (I) 0705 - No comparable splice variants have previous evidence for pathogenicity. (I) 0807 - This variant has no previous evidence of pathogenicity. (I) 0905 - No published segregation evidence has been identified for this variant. (I) 1007 - No published functional evidence has been identified for this variant. (I) Legend: (SP) - Supporting pathogenic, (I) - Information, (SB) - Supporting benign

Dr. Peter K. Rogan Lab, Western University
No classification provided (evidence only). Condition: Thyroid cancer, nonmedullary, 1. Review status: no classification provided. Collection method: in vitro. Allele origin: not applicable. Functional consequence: retained intron. Not counted in ClinVar's aggregate classification.

Literature cited by the submitters: PubMed 26235987 (cited by Victorian Clinical Genetics Services, Murdoch Childrens Research Institute).

NM_001080508.3(TBX18):c.292+2T>G

Gene: TBX18 (T-box transcription factor 18; minus strand). Cytogenetic location: 6q14.3.
Variant type: single nucleotide variant.
Coding change: c.292+2T>G on transcript NM_001080508.3 (MANE Select); the canonical splice donor site of the intron after coding-DNA position 292, T replaced by G.
Molecular consequence: splice donor variant.
Genome position (GRCh38, 1-based): chr6:84,763,888, A>C on the plus strand (T>G on the coding strand, the complement: TBX18 is on the minus strand). VCF-style: chr6-84763888-A-C. GRCh37 (hg19) VCF-style: chr6-85473606-A-C.
Other names: NC_000006.11:g.85473606A>C.
Identifiers: ClinVar variation 3377136 (VCV003377136.2).
Genomic context (GRCh38, chr6:84,763,888, plus strand): 5'-AGACTCGCAGAAGTTCAGGTTCGCGCCGGAGAGAAGTTATAGGCAGGAAGGGGCCCACTC[A>C]CCCGCGGCTCCGCGCTCCAGGTCTGCGCCACTCCGAGCCGGCCCAGACGTCGCCCCAGCC-3'